The following is an entry in ClinVar:

ClinVar aggregate classification (germline): Uncertain significance (1 of 4 stars; one submission).

gnomAD v4.1: 4 of 1,603,992 alleles (0.00025%); highest among the groups gnomAD compares: Non-Finnish European, 0.00034%; no homozygotes.

Submission:

Labcorp Genetics (formerly Invitae), Labcorp
Classification: Uncertain significance. Last evaluated: 2022-11-08. Review status: criteria provided, single submitter. Criteria: Invitae Variant Classification Sherloc (09022015). Collection method: clinical testing. Allele origin: germline.
Comment: In summary, the available evidence is currently insufficient to determine the role of this variant in disease. Therefore, it has been classified as a Variant of Uncertain Significance. Variants that disrupt the consensus splice site are a relatively common cause of aberrant splicing (PMID: 17576681, 9536098). Algorithms developed to predict the effect of sequence changes on RNA splicing suggest that this variant may disrupt the consensus splice site. This variant has not been reported in the literature in individuals affected with HSPG2-related conditions. This variant is not present in population databases (gnomAD no frequency). This sequence change falls in intron 96 of the HSPG2 gene. It does not directly change the encoded amino acid sequence of the HSPG2 protein. It affects a nucleotide within the consensus splice site.

Literature cited by the submitters: PubMed 17576681; PubMed 9536098.

NM_005529.7(HSPG2):c.13004-3C>G

Genes: HSPG2 (heparan sulfate proteoglycan 2; minus strand), LDLRAD2 (low density lipoprotein receptor class A domain containing 2; plus strand). Cytogenetic location: 1p36.12.
Variant type: single nucleotide variant.
Coding change: c.13004-3C>G on transcript NM_005529.7 (MANE Select); 3 bases into the intron before coding-DNA position 13004, C replaced by G.
Molecular consequence: intron variant. On other transcripts: 3 prime UTR variant (1).
Genome position (GRCh38, 1-based): chr1:21,823,491, G>C on the plus strand (C>G on the coding strand, the complement: HSPG2 is on the minus strand). VCF-style: chr1-21823491-G-C. GRCh37 (hg19) VCF-style: chr1-22149984-G-C.
Other names: c.*1276G>C (NM_001013693.3); c.13007-3C>G (NM_001291860.2).
Identifiers: ClinVar variation 2135394 (VCV002135394.4), dbSNP rs2550582690, ClinGen allele CA2580061462.